The following is an entry in ClinVar:

ClinVar aggregate classification (germline): Uncertain significance (1 of 4 stars; one submission).

Conditions:
Hereditary spastic paraplegia 53. Also called: Spastic paraplegia 53, autosomal recessive. Identifiers: Orphanet 319199, MedGen C3539494, MONDO:0013962, OMIM 614898.

Allele frequency attached by ClinVar (database versions not stated): gnomAD 0.00001.
gnomAD v4.1: 10 of 1,568,128 alleles (0.00064%); highest among the groups gnomAD compares: Non-Finnish European, 0.00086%; no homozygotes.

Submission:

Labcorp Genetics (formerly Invitae), Labcorp
Classification: Uncertain significance for Hereditary spastic paraplegia 53. Last evaluated: 2022-02-25. Review status: criteria provided, single submitter. Criteria: Invitae Variant Classification Sherloc (09022015). Collection method: clinical testing. Allele origin: germline.
Comment: This sequence change replaces alanine, which is neutral and non-polar, with glycine, which is neutral and non-polar, at codon 11 of the VPS37A protein (p.Ala11Gly). In summary, the available evidence is currently insufficient to determine the role of this variant in disease. Therefore, it has been classified as a Variant of Uncertain Significance. Algorithms developed to predict the effect of missense changes on protein structure and function output the following: SIFT: "Tolerated"; PolyPhen-2: "Benign"; Align-GVGD: "Class C0". The glycine amino acid residue is found in multiple mammalian species, which suggests that this missense change does not adversely affect protein function. This variant has not been reported in the literature in individuals affected with VPS37A-related conditions. This variant is present in population databases (no rsID available, gnomAD 0.002%).

NM_152415.3(VPS37A):c.32C>G (p.Ala11Gly)

Gene: VPS37A (VPS37A subunit of ESCRT-I; plus strand). Cytogenetic location: 8p22.
Variant type: single nucleotide variant.
Coding change: c.32C>G on transcript NM_152415.3 (MANE Select); coding-DNA position 32, C replaced by G.
Protein change: p.Ala11Gly; replaces alanine 11 with glycine.
Molecular consequence: missense variant. On other transcripts: 5 prime UTR variant (5).
Genome position (GRCh38, 1-based): chr8:17,247,276, C>G. VCF-style: chr8-17247276-C-G. GRCh37 (hg19) VCF-style: chr8-17104785-C-G.
Other names: c.32C>G, p.Ala11Gly (NM_001145152.2, NM_001363167.1, NM_001363173.2); c.-284C>G (NM_001363168.1, NM_001363170.1, NM_001363172.2); c.-234C>G (NM_001363169.1, NM_001363171.1); short protein forms A11G.
Identifiers: ClinVar variation 2180040 (VCV002180040.4), dbSNP rs1273541123, ClinGen allele CA370403810.